The following is an entry in ClinVar:

ClinVar aggregate classification (germline): Pathogenic (1 of 4 stars; one submission).

Submission:

Labcorp Genetics (formerly Invitae), Labcorp
Classification: Pathogenic. Last evaluated: 2024-02-12. Review status: criteria provided, single submitter. Criteria: Invitae Variant Classification Sherloc (09022015). Collection method: clinical testing. Allele origin: germline.
Comment: This sequence change creates a premature translational stop signal (p.Tyr393*) in the LRPPRC gene. It is expected to result in an absent or disrupted protein product. Loss-of-function variants in LRPPRC are known to be pathogenic (PMID: 26510951). This variant is not present in population databases (gnomAD no frequency). This variant has not been reported in the literature in individuals affected with LRPPRC-related conditions. Algorithms developed to predict the effect of sequence changes on RNA splicing suggest that this variant may disrupt the consensus splice site. For these reasons, this variant has been classified as Pathogenic.

Literature cited by the submitters: PubMed 26510951.

NM_133259.4(LRPPRC):c.1179_1183del (p.Tyr393_Lys395delinsTer)

Gene: LRPPRC (leucine rich pentatricopeptide repeat containing; minus strand). Cytogenetic location: 2p21.
Variant type: Deletion.
Coding change: c.1179_1183del on transcript NM_133259.4 (MANE Select); coding-DNA positions 1179 to 1183, 5 bases deleted (CTGTA; older notation c.1179_1183delCTGTA).
Protein change: p.Tyr393_Lys395delinsTer.
Molecular consequence: nonsense.
Genome position (GRCh38, 1-based): chr2:43,973,873-43,973,877, TACAG deleted on the plus strand (CTGTA on the coding strand, the reverse complement: LRPPRC is on the minus strand); deleting any 5 consecutive bases within chr2:43,973,873-43,973,879 gives the same sequence; the c. name uses the placement nearest the transcript's 3' end. VCF-style (leftmost placement, unchanged base first): chr2-43973872-TTACAG-T. GRCh37 (hg19) VCF-style: chr2-44201011-TTACAG-T.
Identifiers: ClinVar variation 3699076 (VCV003699076.2).